The following is an entry in ClinVar:

NM_003919.3(SGCE):c.802dup (p.Ile268fs)

Genes: CASD1 (CAS1 domain sialic acid O acetyltransferase 1; plus strand), SGCE (sarcoglycan epsilon; minus strand). Cytogenetic location: 7q21.3.
Variant type: Duplication.
Coding change: c.802dup on transcript NM_003919.3 (MANE Select); coding-DNA position 802, one base duplicated (A; older notation c.802dupA).
Protein change: p.Ile268fs; shifts the reading frame from isoleucine 268.
Molecular consequence: frameshift variant.
Genome position (GRCh38, 1-based): chr7:94,603,313, T duplicated on the plus strand (A on the coding strand, the reverse complement: SGCE is on the minus strand). VCF-style (leftmost placement, unchanged base first): chr7-94603312-A-AT. GRCh37 (hg19) VCF-style: chr7-94232624-A-AT.
Other names: c.715dup, p.Ile239fs (NM_001362807.2, NM_001346719.2); c.529dup, p.Ile177fs (NM_001362808.2, NM_001346720.2); c.679dup, p.Ile227fs (NM_001362809.2, NM_001301139.2); c.802dup, p.Ile268fs (NM_001099401.2, NM_001346717.2, NM_001099400.2); c.910dup, p.Ile304fs (NM_001346713.2, NM_001346715.2); short protein forms I177fs, I227fs, I239fs, I268fs, I304fs.
Identifiers: ClinVar variation 1325061 (VCV001325061.7), dbSNP rs2116722561, ClinGen allele CA2573052947.

ClinVar aggregate classification (germline): Pathogenic (1 of 4 stars; one submission).

Conditions:
Myoclonic dystonia 11 (DYT11). Also called: Myoclonic dystonia; Dystonia 11; Dystonia, alcohol responsive; Hereditary essential myoclonus; SGCE Myoclonus-Dystonia; Myoclonus-Dystonia. Identifiers: Orphanet 36899, MedGen C1834570, MONDO:0008044, OMIM 159900.

Submission:

Labcorp Genetics (formerly Invitae), Labcorp
Classification: Pathogenic for Myoclonic dystonia 11. Last evaluated: 2021-04-11. Review status: criteria provided, single submitter. Criteria: Invitae Variant Classification Sherloc (09022015). Collection method: clinical testing. Allele origin: germline.
Comment: For these reasons, this variant has been classified as Pathogenic. This variant has not been reported in the literature in individuals with SGCE-related conditions. This variant is not present in population databases (ExAC no frequency). This sequence change creates a premature translational stop signal (p.Ile268Asnfs*2) in the SGCE gene. It is expected to result in an absent or disrupted protein product. Loss-of-function variants in SGCE are known to be pathogenic (PMID: 12821748, 15389977, 17853490, 24297365).

Literature cited by the submitters: PubMed 12821748; PubMed 15389977; PubMed 17853490; PubMed 24297365.